The following is an entry in ClinVar:

NM_001256789.3(CACNA1F):c.4180G>C (p.Gly1394Arg)

Gene: CACNA1F (calcium voltage-gated channel subunit alpha1 F; minus strand). Cytogenetic location: Xp11.23.
Variant type: single nucleotide variant.
Coding change: c.4180G>C on transcript NM_001256789.3 (MANE Select); coding-DNA position 4180, G replaced by C.
Protein change: p.Gly1394Arg; replaces glycine 1394 with arginine.
Molecular consequence: missense variant.
Genome position (GRCh38, 1-based): chrX:49,211,402, C>G on the plus strand (G>C on the coding strand, the complement: CACNA1F is on the minus strand). VCF-style: chrX-49211402-C-G. GRCh37 (hg19) VCF-style: chrX-49067862-C-G.
Other names: c.4018G>C, p.Gly1340Arg (NM_001256790.3); c.4213G>C, p.Gly1405Arg (NM_005183.4); c.4213G>C (NM_005183.3); short protein forms G1394R, G1340R, G1405R.
Identifiers: ClinVar variation 2987204 (VCV002987204.4), dbSNP rs35212576, ClinGen allele CA10410250.

ClinVar aggregate classification (germline): Likely benign. Review status: criteria provided, multiple submitters, no conflicts (2 of 4 stars). 2 submissions from 2 submitters: Likely benign (2). Last evaluated 2026-08-31.

Conditions:
CACNA1F-related disorder. Also called: CACNA1F-related condition.

gnomAD v4.1: 32 of 1,207,469 alleles (0.0027%); highest among the groups gnomAD compares: East Asian, 0.089%; no homozygotes.

Submissions (2):

PreventionGenetics, part of Exact Sciences
Classification: Likely benign for CACNA1F-related condition. Last evaluated: 2026-08-31. Review status: criteria provided, single submitter. Criteria: ACMG Guidelines, 2015. Collection method: clinical testing. Allele origin: germline.
Comment: This variant is classified as likely benign based on ACMG/AMP sequence variant interpretation guidelines (Richards et al. 2015 PMID: 25741868, with internal and published modifications).

Labcorp Genetics (formerly Invitae), Labcorp
Classification: Likely benign. Last evaluated: 2024-03-12. Review status: criteria provided, single submitter. Criteria: Invitae Variant Classification Sherloc (09022015). Collection method: clinical testing. Allele origin: germline.